The following is an entry in ClinVar:

NM_016151.4(TAOK2):c.494T>C (p.Val165Ala)

Gene: TAOK2 (TAO kinase 2; plus strand). Cytogenetic location: 16p11.2.
Variant type: single nucleotide variant.
Coding change: c.494T>C on transcript NM_016151.4 (MANE Select); coding-DNA position 494, T replaced by C.
Protein change: p.Val165Ala; replaces valine 165 with alanine.
Molecular consequence: missense variant.
Genome position (GRCh38, 1-based): chr16:29,979,239, T>C. VCF-style: chr16-29979239-T-C. GRCh37 (hg19) VCF-style: chr16-29990560-T-C.
Other names: c.494T>C, p.Val165Ala (NM_001252043.2, NM_004783.4); short protein forms V165A.
Identifiers: ClinVar variation 1520478 (VCV001520478.8), dbSNP rs919570391, ClinGen allele CA280431467.

ClinVar aggregate classification (germline): Uncertain significance (1 of 4 stars; one submission).

Allele frequency attached by ClinVar (database versions not stated): gnomAD exomes below 0.00001; TOPMed below 0.00001; gnomAD 0.00001.
gnomAD v4.1: 4 of 1,614,082 alleles (0.00025%); highest among the groups gnomAD compares: Non-Finnish European, 0.00034%; no homozygotes.

Submission:

Labcorp Genetics (formerly Invitae), Labcorp
Classification: Uncertain significance. Last evaluated: 2023-12-25. Review status: criteria provided, single submitter. Criteria: Invitae Variant Classification Sherloc (09022015). Collection method: clinical testing. Allele origin: germline.
Comment: This sequence change replaces valine, which is neutral and non-polar, with alanine, which is neutral and non-polar, at codon 165 of the TAOK2 protein (p.Val165Ala). This variant is not present in population databases (gnomAD no frequency). This variant has not been reported in the literature in individuals affected with TAOK2-related conditions. ClinVar contains an entry for this variant (Variation ID: 1520478). An algorithm developed to predict the effect of missense changes on protein structure and function (PolyPhen-2) suggests that this variant is likely to be disruptive. In summary, the available evidence is currently insufficient to determine the role of this variant in disease. Therefore, it has been classified as a Variant of Uncertain Significance.